The following is an entry in ClinVar:

NM_001364905.1(LRBA):c.4918G>A (p.Val1640Met)

Gene: LRBA (LPS responsive beige-like anchor protein; minus strand). Cytogenetic location: 4q31.3.
Variant type: single nucleotide variant.
Coding change: c.4918G>A on transcript NM_001364905.1 (MANE Select); coding-DNA position 4918, G replaced by A.
Protein change: p.Val1640Met; replaces valine 1640 with methionine.
Molecular consequence: missense variant.
Genome position (GRCh38, 1-based): chr4:150,828,433, C>T on the plus strand (G>A on the coding strand, the complement: LRBA is on the minus strand). VCF-style: chr4-150828433-C-T. GRCh37 (hg19) VCF-style: chr4-151749585-C-T.
Other names: c.4918G>A, p.Val1640Met (NM_001199282.3, NM_001367550.1, NM_006726.5); short protein forms V1640M.
Identifiers: ClinVar variation 1061869 (VCV001061869.18), dbSNP rs144655081, ClinGen allele CA3102625.

ClinVar aggregate classification (germline): Uncertain significance. Review status: criteria provided, multiple submitters, no conflicts (2 of 4 stars). 5 submissions from 5 submitters: Uncertain significance (5). Last evaluated 2025-11-12.

Conditions:
Combined immunodeficiency due to LRBA deficiency. Also called: Common variable immunodeficiency 8, with autoimmunity. Identifiers: Orphanet 445018, MedGen C3553512, MONDO:0013863, OMIM 614700.
Inborn genetic diseases. Identifiers: MedGen C0950123, MeSH D030342.

Allele frequency attached by ClinVar (database versions not stated): gnomAD exomes 0.00002 and 0.00007; ExAC 0.00007; gnomAD 0.00012 and 0.00013; TOPMed 0.00014; 1000 Genomes Project 30x 0.00016; 1000 Genomes Project 0.00020; ESP Exome Variant Server 0.00023.
gnomAD v4.1: 51 of 1,614,124 alleles (0.0032%); highest among the groups gnomAD compares: African/African-American, 0.052%; no homozygotes.

Submissions (5):

Ambry Genetics
Classification: Uncertain significance for Inborn genetic diseases. Last evaluated: 2025-11-12. Review status: criteria provided, single submitter. Criteria: Ambry Variant Classification Scheme 2023. Collection method: clinical testing. Allele origin: germline.

Labcorp Genetics (formerly Invitae), Labcorp
Classification: Uncertain significance for Combined immunodeficiency due to LRBA deficiency. Last evaluated: 2025-10-06. Review status: criteria provided, single submitter. Criteria: Invitae Variant Classification Sherloc (09022015). Collection method: clinical testing. Allele origin: germline.
Comment: This sequence change replaces valine, which is neutral and non-polar, with methionine, which is neutral and non-polar, at codon 1640 of the LRBA protein (p.Val1640Met). This variant is present in population databases (rs144655081, gnomAD 0.08%). This variant has not been reported in the literature in individuals affected with LRBA-related conditions. ClinVar contains an entry for this variant (Variation ID: 1061869). Invitae Evidence Modeling of protein sequence and biophysical properties (such as structural, functional, and spatial information, amino acid conservation, physicochemical variation, residue mobility, and thermodynamic stability) indicates that this missense variant is not expected to disrupt LRBA protein function with a negative predictive value of 80%. In summary, the available evidence is currently insufficient to determine the role of this variant in disease. Therefore, it has been classified as a Variant of Uncertain Significance.

Department of Pediatrics and Child Health, Lancet General Hospital
Classification: Uncertain significance for Combined immunodeficiency due to LRBA deficiency. Last evaluated: 2025-05-23. Review status: criteria provided, single submitter. Criteria: ACMG Guidelines, 2015. Collection method: provider interpretation. Allele origin: germline. Inheritance: Autosomal recessive inheritance. Affected: no. Observed: 1 variant allele, 1 heterozygote.
Comment: LRBA (NM_001364905.1):c.4918G>A is associated with replacement of valine with methionine at codon 1640 of the LRBA protein (p.Val1640Met) at exon 30. The change involves two neutral, non-polar amino acids. This germline variant is present in public population databases with very low frequency in gnomAD(0.08%) and dbSNP(rs144655081). This variant is reported in ClinVar with (variation ID:10618693 and VCV001061869.13) and three submissions contributed to variants of uncertain significance. To date, this specific variant has not been documented in peer-reviewed biomedical literature in individuals with classic LRBA-related phenotypes. According to ACMG guidelines the available clinical, population, and functional data are insufficient to support a definitive pathogenic or benign classification. Therefore, it is classified as a Variant of Uncertain Significance.

CeGaT Center for Human Genetics Tuebingen
Classification: Uncertain significance. Last evaluated: 2025-03-01. Review status: criteria provided, single submitter. Criteria: CeGaT Center For Human Genetics Tuebingen Variant Classification Criteria Version 2. Collection method: clinical testing. Allele origin: germline. Affected: yes. Observed: 1 variant allele.
Comment: LRBA: PM2, BP4

Blueprint Genetics
Classification: Uncertain significance. Last evaluated: 2024-09-23. Review status: criteria provided, single submitter. Criteria: ACMG Guidelines, 2015. Collection method: clinical testing. Allele origin: germline.